The following is an entry in ClinVar:

NM_000179.3(MSH6):c.2580T>C (p.Ser860=)

Gene: MSH6 (mutS homolog 6; plus strand). Cytogenetic location: 2p16.3.
Variant type: single nucleotide variant.
Coding change: c.2580T>C on transcript NM_000179.3 (MANE Select); coding-DNA position 2580, T replaced by C.
Protein change: p.Ser860=; no amino-acid change (serine 860 retained).
Molecular consequence: synonymous variant.
Genome position (GRCh38, 1-based): chr2:47,800,563, T>C. VCF-style: chr2-47800563-T-C. GRCh37 (hg19) VCF-style: chr2-48027702-T-C.
Other names: c.2190T>C, p.Ser730= (NM_001281492.2); c.1674T>C, p.Ser558= (NM_001281493.2, NM_001281494.2).
Identifiers: ClinVar variation 233669 (VCV000233669.21), dbSNP rs751515279, ClinGen allele CA069217.

ClinVar aggregate classification (germline): Benign/Likely benign. Review status: criteria provided, multiple submitters, no conflicts (2 of 4 stars). 6 submissions from 6 submitters: Benign (1); Likely benign (5). Last evaluated 2025-12-29.

Conditions:
Hereditary cancer-predisposing syndrome. Also called: Neoplastic Syndromes, Hereditary; Tumor predisposition; Hereditary Cancer Syndrome; Hereditary neoplastic syndrome. Identifiers: Orphanet 140162, MedGen C0027672, MeSH D009386, MONDO:0015356.
Hereditary nonpolyposis colorectal neoplasms. Identifiers: MedGen C0009405, MeSH D003123.
Lynch syndrome 5 (LYNCH5). Also called: Colorectal cancer, hereditary nonpolyposis, type 5; Hereditary non-polyposis colorectal cancer, type 5. Identifiers: Orphanet 144, MedGen C1833477, MONDO:0013710, OMIM 614350. Disease mechanism: loss of function.

Allele frequency attached by ClinVar (database versions not stated): gnomAD exomes below 0.00001 and 0.00001; TOPMed below 0.00001; ExAC 0.00001; gnomAD 0.00001.
gnomAD v4.1: 5 of 1,613,698 alleles (0.00031%); highest among the groups gnomAD compares: African/African-American, 0.0027%; no homozygotes.

Submissions (6):

Center for Genomic Medicine, Rigshospitalet, Copenhagen University Hospital
Classification: Likely benign. Last evaluated: 2025-12-29. Review status: criteria provided, single submitter. Criteria: ACMG Guidelines, 2015. Collection method: clinical testing. Allele origin: germline.

Labcorp Genetics (formerly Invitae), Labcorp
Classification: Likely benign for Hereditary nonpolyposis colorectal neoplasms. Last evaluated: 2025-10-19. Review status: criteria provided, single submitter. Criteria: Invitae Variant Classification Sherloc (09022015). Collection method: clinical testing. Allele origin: germline.

Myriad Genetics, Inc.
Classification: Benign for Lynch syndrome 5. Last evaluated: 2024-12-31. Review status: criteria provided, single submitter. Criteria: Myriad Autosomal Dominant, Autosomal Recessive and X-Linked Classification Criteria (2023). Collection method: clinical testing. Allele origin: unknown.
Comment: This variant is considered benign. This variant is a silent/synonymous amino acid change and it is not expected to impact splicing.

Quest Diagnostics Nichols Institute San Juan Capistrano
Classification: Likely benign. Last evaluated: 2022-11-10. Review status: criteria provided, single submitter. Criteria: Quest Diagnostics criteria. Collection method: clinical testing. Allele origin: unknown.

Color Diagnostics, LLC DBA Color Health
Classification: Likely benign for Hereditary cancer-predisposing syndrome. Last evaluated: 2019-07-23. Review status: criteria provided, single submitter. Criteria: ACMG Guidelines, 2015. Collection method: clinical testing. Allele origin: germline.

Ambry Genetics
Classification: Likely benign for Hereditary cancer-predisposing syndrome. Last evaluated: 2015-09-02. Review status: criteria provided, single submitter. Criteria: Ambry Variant Classification Scheme 2023. Collection method: clinical testing. Allele origin: germline.